The following is an entry in ClinVar:

ClinVar aggregate classification (germline): Likely benign (1 of 4 stars; one submission).

Submission:

CeGaT Center for Human Genetics Tuebingen
Classification: Likely benign. Last evaluated: 2026-08-01. Review status: criteria provided, single submitter. Criteria: CeGaT Center For Human Genetics Tuebingen Variant Classification Criteria Version 2. Collection method: clinical testing. Allele origin: germline. Affected: yes. Observed: 4 variant alleles.
Comment: RNU4-2: BS1

NC_000012.12:g.120291735C>T

Gene: RNU4-2 (RNA, U4 small nuclear 2; minus strand). Cytogenetic location: 12q24.23.
Variant type: single nucleotide variant.
Genome position: GRCh38 VCF-style: chr12-120291735-C-T. GRCh37 (hg19) VCF-style: chr12-120729538-C-T.
Identifiers: ClinVar variation 3772001 (VCV003772001.13).